The following is an entry in ClinVar:

ClinVar aggregate classification (germline): Uncertain significance. Review status: criteria provided, multiple submitters, no conflicts (2 of 4 stars). 2 submissions from 2 submitters: Uncertain significance (2). Last evaluated 2025-10-23.

Conditions:
Inborn genetic diseases. Identifiers: MedGen C0950123, MeSH D030342.

gnomAD v4.1: 3 of 1,613,050 alleles (0.00019%); highest among the groups gnomAD compares: Non-Finnish European, 0.00025%; no homozygotes.

Submissions (2):

Ambry Genetics
Classification: Uncertain significance for Inborn genetic diseases. Last evaluated: 2025-10-23. Review status: criteria provided, single submitter. Criteria: Ambry Variant Classification Scheme 2023. Collection method: clinical testing. Allele origin: germline.

Labcorp Genetics (formerly Invitae), Labcorp
Classification: Uncertain significance. Last evaluated: 2024-02-24. Review status: criteria provided, single submitter. Criteria: Invitae Variant Classification Sherloc (09022015). Collection method: clinical testing. Allele origin: germline.
Comment: This sequence change replaces cysteine, which is neutral and slightly polar, with glycine, which is neutral and non-polar, at codon 1109 of the CACNA2D4 protein (p.Cys1109Gly). This variant is not present in population databases (gnomAD no frequency). This variant has not been reported in the literature in individuals affected with CACNA2D4-related conditions. ClinVar contains an entry for this variant (Variation ID: 1405909). An algorithm developed to predict the effect of missense changes on protein structure and function (PolyPhen-2) suggests that this variant is likely to be disruptive. In summary, the available evidence is currently insufficient to determine the role of this variant in disease. Therefore, it has been classified as a Variant of Uncertain Significance.

NM_172364.5(CACNA2D4):c.3325T>G (p.Cys1109Gly)

Gene: CACNA2D4 (calcium voltage-gated channel auxiliary subunit alpha2delta 4; minus strand). Cytogenetic location: 12p13.33.
Variant type: single nucleotide variant.
Coding change: c.3325T>G on transcript NM_172364.5 (MANE Select); coding-DNA position 3325, T replaced by G.
Protein change: p.Cys1109Gly; replaces cysteine 1109 with glycine.
Molecular consequence: missense variant.
Genome position (GRCh38, 1-based): chr12:1,793,744, A>C on the plus strand (T>G on the coding strand, the complement: CACNA2D4 is on the minus strand). VCF-style: chr12-1793744-A-C. GRCh37 (hg19) VCF-style: chr12-1902910-A-C.
Other names: c.3325T>G (NM_172364.4); short protein forms C1109G.
Identifiers: ClinVar variation 1405909 (VCV001405909.7), dbSNP rs768998593, ClinGen allele CA383346870.